The following is an entry in ClinVar:

NM_030912.3(TRIM8):c.1301C>G (p.Pro434Arg)

Gene: TRIM8 (tripartite motif containing 8; plus strand). Cytogenetic location: 10q24.32.
Variant type: single nucleotide variant.
Coding change: c.1301C>G on transcript NM_030912.3 (MANE Select); coding-DNA position 1301, C replaced by G.
Protein change: p.Pro434Arg; replaces proline 434 with arginine.
Molecular consequence: missense variant. On other transcripts: non-coding transcript variant (1).
Genome position (GRCh38, 1-based): chr10:102,656,999, C>G. VCF-style: chr10-102656999-C-G. GRCh37 (hg19) VCF-style: chr10-104416756-C-G.
Other names: c.1205C>G, p.Pro402Arg (NM_001345950.1); short protein forms P402R, P434R.
Identifiers: ClinVar variation 3691224 (VCV003691224.2).

ClinVar aggregate classification (germline): Uncertain significance (1 of 4 stars; one submission).

Submission:

Labcorp Genetics (formerly Invitae), Labcorp
Classification: Uncertain significance. Last evaluated: 2024-05-12. Review status: criteria provided, single submitter. Criteria: Invitae Variant Classification Sherloc (09022015). Collection method: clinical testing. Allele origin: germline.
Comment: This sequence change replaces proline, which is neutral and non-polar, with arginine, which is basic and polar, at codon 434 of the TRIM8 protein (p.Pro434Arg). This variant is not present in population databases (gnomAD no frequency). This variant has not been reported in the literature in individuals affected with TRIM8-related conditions. An algorithm developed to predict the effect of missense changes on protein structure and function (PolyPhen-2) suggests that this variant is likely to be tolerated. In summary, the available evidence is currently insufficient to determine the role of this variant in disease. Therefore, it has been classified as a Variant of Uncertain Significance.